The following is an entry in ClinVar:

NM_002857.4(PEX19):c.383G>A (p.Cys128Tyr)

Gene: PEX19 (peroxisomal biogenesis factor 19; minus strand). Cytogenetic location: 1q23.2.
Variant type: single nucleotide variant.
Coding change: c.383G>A on transcript NM_002857.4 (MANE Select); coding-DNA position 383, G replaced by A.
Protein change: p.Cys128Tyr; replaces cysteine 128 with tyrosine.
Molecular consequence: missense variant. On other transcripts: non-coding transcript variant (1).
Genome position (GRCh38, 1-based): chr1:160,282,466, C>T on the plus strand (G>A on the coding strand, the complement: PEX19 is on the minus strand). VCF-style: chr1-160282466-C-T. GRCh37 (hg19) VCF-style: chr1-160252256-C-T.
Other names: c.383G>A, p.Cys128Tyr (NM_001193644.1); short protein forms C128Y.
Identifiers: ClinVar variation 1466466 (VCV001466466.6), dbSNP rs2101803261, ClinGen allele CA343261687.

ClinVar aggregate classification (germline): Uncertain significance (1 of 4 stars; one submission).

Conditions:
Peroxisome biogenesis disorder 12A (Zellweger). Also called: Peroxisome biogenesis disorder 12A. Identifiers: Orphanet 912, MedGen C3554002, MONDO:0013951, OMIM 614886.

Submission:

Labcorp Genetics (formerly Invitae), Labcorp
Classification: Uncertain significance for Peroxisome biogenesis disorder 12A (Zellweger). Last evaluated: 2021-11-23. Review status: criteria provided, single submitter. Criteria: Invitae Variant Classification Sherloc (09022015). Collection method: clinical testing. Allele origin: germline.
Comment: In summary, the available evidence is currently insufficient to determine the role of this variant in disease. Therefore, it has been classified as a Variant of Uncertain Significance. Algorithms developed to predict the effect of missense changes on protein structure and function are either unavailable or do not agree on the potential impact of this missense change (SIFT: "Tolerated"; PolyPhen-2: "Possibly Damaging"; Align-GVGD: "Class C0"). This variant has not been reported in the literature in individuals affected with PEX19-related conditions. This variant is not present in population databases (gnomAD no frequency). This sequence change replaces cysteine, which is neutral and slightly polar, with tyrosine, which is neutral and polar, at codon 128 of the PEX19 protein (p.Cys128Tyr).